The following is an entry in ClinVar:

ClinVar aggregate classification (germline): Uncertain significance. Review status: criteria provided, multiple submitters, no conflicts (2 of 4 stars). 2 submissions from 2 submitters: Uncertain significance (2). Last evaluated 2021-11-19.

Conditions:
Inborn genetic diseases. Identifiers: MedGen C0950123, MeSH D030342.

Allele frequency attached by ClinVar (database versions not stated): TOPMed below 0.00001; gnomAD exomes 0.00001 and 0.00002; ExAC 0.00003.
gnomAD v4.1: 11 of 1,614,118 alleles (0.00068%); highest among the groups gnomAD compares: Middle Eastern, 0.017%; no homozygotes.

Submissions (2):

Labcorp Genetics (formerly Invitae), Labcorp
Classification: Uncertain significance. Last evaluated: 2021-11-19. Review status: criteria provided, single submitter. Criteria: Invitae Variant Classification Sherloc (09022015). Collection method: clinical testing. Allele origin: germline.
Comment: This sequence change replaces leucine, which is neutral and non-polar, with proline, which is neutral and non-polar, at codon 202 of the PIGL protein (p.Leu202Pro). This variant is present in population databases (rs766819075, gnomAD 0.006%). This variant has not been reported in the literature in individuals affected with PIGL-related conditions. Algorithms developed to predict the effect of missense changes on protein structure and function are either unavailable or do not agree on the potential impact of this missense change (SIFT: "Deleterious"; PolyPhen-2: "Probably Damaging"; Align-GVGD: "Class C0"). In summary, the available evidence is currently insufficient to determine the role of this variant in disease. Therefore, it has been classified as a Variant of Uncertain Significance.

Ambry Genetics
Classification: Uncertain significance for Inborn genetic diseases. Last evaluated: 2021-06-15. Review status: criteria provided, single submitter. Criteria: Ambry Variant Classification Scheme 2023. Collection method: clinical testing. Allele origin: germline.

NM_004278.4(PIGL):c.605T>C (p.Leu202Pro)

Gene: PIGL (phosphatidylinositol glycan anchor biosynthesis class L; plus strand). Cytogenetic location: 17p11.2.
Variant type: single nucleotide variant.
Coding change: c.605T>C on transcript NM_004278.4 (MANE Select); coding-DNA position 605, T replaced by C.
Protein change: p.Leu202Pro; replaces leucine 202 with proline.
Molecular consequence: missense variant.
Genome position (GRCh38, 1-based): chr17:16,317,853, T>C. VCF-style: chr17-16317853-T-C. GRCh37 (hg19) VCF-style: chr17-16221167-T-C.
Other names: c.605T>C (NM_004278.3); short protein forms L202P.
Identifiers: ClinVar variation 1474420 (VCV001474420.4), dbSNP rs766819075, ClinGen allele CA8409997.